The following is an entry in ClinVar:

ClinVar aggregate classification (germline): Uncertain significance. Review status: criteria provided, multiple submitters, no conflicts (2 of 4 stars). 2 submissions from 2 submitters: Uncertain significance (2). Last evaluated 2024-05-20.

Conditions:
Microvascular complications of diabetes, susceptibility to, 3. Identifiers: MedGen C2675470, MONDO:0012963, OMIM 612624.
Renal tubular dysgenesis of genetic origin. Also called: PRIMITIVE RENAL TUBULE SYNDROME. Identifiers: Orphanet 97369, MedGen C5681536, MONDO:0009970, OMIM 267430.
Hemorrhage, intracerebral, susceptibility to (ICH). Also called: Stroke, hemorrhagic, susceptibility to. Identifiers: MedGen C3281105, MONDO:0100533, OMIM 614519.

Allele frequency attached by ClinVar (database versions not stated): gnomAD 0.00001; gnomAD exomes 0.00001; TOPMed 0.00001; ExAC 0.00004; ESP Exome Variant Server 0.00008; 1000 Genomes Project 30x 0.00016; 1000 Genomes Project 0.00020.
gnomAD v4.1: 14 of 1,613,976 alleles (0.00087%); highest among the groups gnomAD compares: South Asian, 0.0044%; no homozygotes.

Submissions (2):

Fulgent Genetics
Classification: Uncertain significance for Renal tubular dysgenesis of genetic origin; Microvascular complications of diabetes, susceptibility to, 3; Hemorrhage, intracerebral, susceptibility to. Last evaluated: 2024-05-20. Review status: criteria provided, single submitter. Criteria: ACMG Guidelines, 2015. Collection method: clinical testing. Allele origin: germline.

Labcorp Genetics (formerly Invitae), Labcorp
Classification: Uncertain significance. Last evaluated: 2022-06-26. Review status: criteria provided, single submitter. Criteria: Invitae Variant Classification Sherloc (09022015). Collection method: clinical testing. Allele origin: germline.
Comment: This sequence change replaces arginine, which is basic and polar, with glutamine, which is neutral and polar, at codon 324 of the ACE protein (p.Arg324Gln). In summary, the available evidence is currently insufficient to determine the role of this variant in disease. Therefore, it has been classified as a Variant of Uncertain Significance. Algorithms developed to predict the effect of sequence changes on RNA splicing suggest that this variant may create or strengthen a splice site. Algorithms developed to predict the effect of missense changes on protein structure and function output the following: SIFT: "Deleterious"; PolyPhen-2: "Possibly Damaging"; Align-GVGD: "Class C0". The glutamine amino acid residue is found in multiple mammalian species, which suggests that this missense change does not adversely affect protein function. This variant has not been reported in the literature in individuals affected with ACE-related conditions. This variant is present in population databases (rs374029266, gnomAD 0.01%).

NM_000789.4(ACE):c.971G>A (p.Arg324Gln)

Gene: ACE (angiotensin I converting enzyme; plus strand). Cytogenetic location: 17q23.3.
Variant type: single nucleotide variant.
Coding change: c.971G>A on transcript NM_000789.4 (MANE Select); coding-DNA position 971, G replaced by A.
Protein change: p.Arg324Gln; replaces arginine 324 with glutamine.
Molecular consequence: missense variant. On other transcripts: intron variant (1).
Genome position (GRCh38, 1-based): chr17:63,481,591, G>A. VCF-style: chr17-63481591-G-A. GRCh37 (hg19) VCF-style: chr17-61558952-G-A.
Other names: c.119G>A, p.Arg40Gln (NM_001382701.1); c.472+403G>A (NM_001382700.1); short protein forms R40Q, R324Q.
Identifiers: ClinVar variation 2189451 (VCV002189451.5), dbSNP rs374029266, ClinGen allele CA8699349.